The following is an entry in ClinVar:

ClinVar aggregate classification (germline): Uncertain significance (1 of 4 stars; one submission).

Conditions:
Saldino-Mainzer syndrome (SRTD9). Also called: CONORENAL SYNDROME; Renal dysplasia, retinal pigmentary dystrophy, cerebellar ataxia and skeletal dysplasia; SHORT-RIB THORACIC DYSPLASIA 9 WITHOUT POLYDACTYLY; short-rib thoracic dysplasia 9 with or without polydactyly. Identifiers: Orphanet 140969, MedGen C1849437, MONDO:0009964, OMIM 266920.

Allele frequency attached by ClinVar (database versions not stated): gnomAD 0.00002.
gnomAD v4.1: 19 of 1,608,546 alleles (0.0012%); highest among the groups gnomAD compares: Middle Eastern, 0.016%; no homozygotes.

Submission:

Labcorp Genetics (formerly Invitae), Labcorp
Classification: Uncertain significance for Saldino-Mainzer syndrome. Last evaluated: 2025-12-14. Review status: criteria provided, single submitter. Criteria: Invitae Variant Classification Sherloc (09022015). Collection method: clinical testing. Allele origin: germline.
Comment: This sequence change replaces glutamic acid, which is acidic and polar, with lysine, which is basic and polar, at codon 1168 of the IFT140 protein (p.Glu1168Lys). This variant is present in population databases (rs780721001, gnomAD 0.006%). This variant has not been reported in the literature in individuals affected with IFT140-related conditions. ClinVar contains an entry for this variant (Variation ID: 1363556). Invitae Evidence Modeling of protein sequence and biophysical properties (such as structural, functional, and spatial information, amino acid conservation, physicochemical variation, residue mobility, and thermodynamic stability) has been performed for this missense variant. However, the output from this modeling did not meet the statistical confidence thresholds required to predict the impact of this variant on IFT140 protein function. In summary, the available evidence is currently insufficient to determine the role of this variant in disease. Therefore, it has been classified as a Variant of Uncertain Significance.

NM_014714.4(IFT140):c.3502G>A (p.Glu1168Lys)

Gene: IFT140 (intraflagellar transport 140; minus strand). Cytogenetic location: 16p13.3.
Variant type: single nucleotide variant.
Coding change: c.3502G>A on transcript NM_014714.4 (MANE Select); coding-DNA position 3502, G replaced by A.
Protein change: p.Glu1168Lys; replaces glutamic acid 1168 with lysine.
Molecular consequence: missense variant.
Genome position (GRCh38, 1-based): chr16:1,520,760, C>T on the plus strand (G>A on the coding strand, the complement: IFT140 is on the minus strand). VCF-style: chr16-1520760-C-T. GRCh37 (hg19) VCF-style: chr16-1570761-C-T.
Other names: short protein forms E1168K.
Identifiers: ClinVar variation 1363556 (VCV001363556.6), dbSNP rs780721001, ClinGen allele CA7813132.
Genomic context (GRCh38, chr16:1,520,760, plus strand): 5'-GCGACTCCTCAGGCAGGTCCGAGGAGTCCTTGGCCACGGTCATCTTTTCCGCCATCTCCT[C>T]GGTGATGCTCATGTTCTGCCCCAGGCACAGCTGCAGGGCTTCCTGATACTGCAAAGGTGC-3'
Protein context (NP_055529.2, residues 1158-1178): LCLGQNMSIT[Glu1168Lys]EMAEKMTVAK